The following is an entry in ClinVar:

ClinVar aggregate classification (germline): Uncertain significance. Review status: criteria provided, multiple submitters, no conflicts (2 of 4 stars). 2 submissions from 2 submitters: Uncertain significance (2). Last evaluated 2022-08-16.

Submissions (2):

Labcorp Genetics (formerly Invitae), Labcorp
Classification: Uncertain significance. Last evaluated: 2022-08-16. Review status: criteria provided, single submitter. Criteria: Invitae Variant Classification Sherloc (09022015). Collection method: clinical testing. Allele origin: germline.
Comment: In summary, the available evidence is currently insufficient to determine the role of this variant in disease. Therefore, it has been classified as a Variant of Uncertain Significance. Algorithms developed to predict the effect of missense changes on protein structure and function output the following: SIFT: "Tolerated"; PolyPhen-2: "Benign"; Align-GVGD: "Class C0". The alanine amino acid residue is found in multiple mammalian species, which suggests that this missense change does not adversely affect protein function. This variant has not been reported in the literature in individuals affected with MC3R-related conditions. This variant is not present in population databases (gnomAD no frequency). This sequence change replaces threonine, which is neutral and polar, with alanine, which is neutral and non-polar, at codon 13 of the MC3R protein (p.Thr13Ala).

Centre of Medical Genetics, University Hospital Muenster
Classification: Uncertain significance. Last evaluated: 2021-12-17. Review status: criteria provided, single submitter. Criteria: ACMG Guidelines, 2015. Collection method: clinical testing. Allele origin: unknown. Affected: yes. Observed: 1 variant allele, 1 heterozygote.
Comment: ACMG categories: PM2

NM_019888.3(MC3R):c.37A>G (p.Thr13Ala)

Gene: MC3R (melanocortin 3 receptor; plus strand). Cytogenetic location: 20q13.2.
Variant type: single nucleotide variant.
Coding change: c.37A>G on transcript NM_019888.3 (MANE Select); coding-DNA position 37, A replaced by G.
Protein change: p.Thr13Ala; replaces threonine 13 with alanine.
Molecular consequence: missense variant.
Genome position (GRCh38, 1-based): chr20:56,248,880, A>G. VCF-style: chr20-56248880-A-G. GRCh37 (hg19) VCF-style: chr20-54823936-A-G.
Other names: short protein forms T13A.
Identifiers: ClinVar variation 1708341 (VCV001708341.8), dbSNP rs1000156919, ClinGen allele CA409693761.